The following is an entry in ClinVar:

ClinVar aggregate classification (germline): Uncertain significance (1 of 4 stars; one submission).

Submission:

GeneDx
Classification: Uncertain significance. Last evaluated: 2026-03-22. Review status: criteria provided, single submitter. Criteria: GeneDx Variant Classification Process June 2021. Collection method: clinical testing. Allele origin: germline.
Comment: Not observed at significant frequency in large population cohorts (gnomAD); In silico analysis supports that this missense variant has a deleterious effect on protein structure/function; Has not been previously published as pathogenic or benign to our knowledge

NM_000748.3(CHRNB2):c.1055C>T (p.Pro352Leu)

Gene: CHRNB2 (cholinergic receptor nicotinic beta 2 subunit; plus strand). Cytogenetic location: 1q21.3.
Variant type: single nucleotide variant.
Coding change: c.1055C>T on transcript NM_000748.3 (MANE Select); coding-DNA position 1055, C replaced by T.
Protein change: p.Pro352Leu; replaces proline 352 with leucine.
Molecular consequence: missense variant.
Genome position (GRCh38, 1-based): chr1:154,571,878, C>T. VCF-style: chr1-154571878-C-T. GRCh37 (hg19) VCF-style: chr1-154544354-C-T.
Other names: short protein forms P352L.
Identifiers: ClinVar variation 5017030 (VCV005017030.1).